The following is an entry in ClinVar:

NM_000266.4(NDP):c.157T>C (p.Tyr53His)

Genes: NDP (norrin cystine knot growth factor NDP; minus strand), NDP-AS1 (NDP antisense RNA 1; plus strand). Cytogenetic location: Xp11.3.
Variant type: single nucleotide variant.
Coding change: c.157T>C on transcript NM_000266.4 (MANE Select); coding-DNA position 157, T replaced by C.
Protein change: p.Tyr53His; replaces tyrosine 53 with histidine.
Molecular consequence: missense variant.
Genome position (GRCh38, 1-based): chrX:43,958,489, A>G on the plus strand (T>C on the coding strand, the complement: NDP is on the minus strand). VCF-style: chrX-43958489-A-G. GRCh37 (hg19) VCF-style: chrX-43817735-A-G.
Other names: short protein forms Y53H.
Identifiers: ClinVar variation 2833339 (VCV002833339.3), dbSNP rs762339635, ClinGen allele CA10391438.
Genomic context (GRCh38, chrX:43,958,489, plus strand): 5'-GTTTCTGAGGGAAATGCTCTCCTCACAGAGACCTTGGTCTTACCTTTGAGCTACACTTGT[A>G]CAATGGGTGACTGATAGAATCCACATAGTGGTGCCTCATGCAGCGTCGAGGGTCCGAGTC-3'
Protein context (NP_000257.1, residues 43-63): HYVDSISHPL[Tyr53His]KCSSKMVLLA

ClinVar aggregate classification (germline): Uncertain significance (1 of 4 stars; one submission).

Allele frequency attached by ClinVar (database versions not stated): ExAC 0.00001; gnomAD 0.00001; 1000 Genomes Project 30x 0.00021; 1000 Genomes Project 0.00026.
gnomAD v4.1: 1 of 1,210,703 alleles (0.000083%); highest among the groups gnomAD compares: Non-Finnish European, 0.00011%; no homozygotes.

Submission:

Labcorp Genetics (formerly Invitae), Labcorp
Classification: Uncertain significance. Last evaluated: 2024-08-10. Review status: criteria provided, single submitter. Criteria: Invitae Variant Classification Sherloc (09022015). Collection method: clinical testing. Allele origin: germline.
Comment: This sequence change replaces tyrosine, which is neutral and polar, with histidine, which is basic and polar, at codon 53 of the NDP protein (p.Tyr53His). The frequency data for this variant in the population databases is considered unreliable, as metrics indicate poor data quality at this position in the gnomAD database. This variant has not been reported in the literature in individuals affected with NDP-related conditions. Advanced modeling of protein sequence and biophysical properties (such as structural, functional, and spatial information, amino acid conservation, physicochemical variation, residue mobility, and thermodynamic stability) has been performed at Invitae for this missense variant, however the output from this modeling did not meet the statistical confidence thresholds required to predict the impact of this variant on NDP protein function. In summary, the available evidence is currently insufficient to determine the role of this variant in disease. Therefore, it has been classified as a Variant of Uncertain Significance.